The following is an entry in ClinVar:

NM_014159.7(SETD2):c.2540T>C (p.Phe847Ser)

Gene: SETD2 (SET domain containing 2, histone lysine methyltransferase; minus strand). Cytogenetic location: 3p21.31.
Variant type: single nucleotide variant.
Coding change: c.2540T>C on transcript NM_014159.7 (MANE Select); coding-DNA position 2540, T replaced by C.
Protein change: p.Phe847Ser; replaces phenylalanine 847 with serine.
Molecular consequence: missense variant. On other transcripts: non-coding transcript variant (1).
Genome position (GRCh38, 1-based): chr3:47,122,096, A>G on the plus strand (T>C on the coding strand, the complement: SETD2 is on the minus strand). VCF-style: chr3-47122096-A-G. GRCh37 (hg19) VCF-style: chr3-47163586-A-G.
Other names: c.2408T>C, p.Phe803Ser (NM_001349370.3); short protein forms F803S, F847S.
Identifiers: ClinVar variation 1006308 (VCV001006308.10), dbSNP rs758169057, ClinGen allele CA2363520.
Genomic context (GRCh38, chr3:47,122,096, plus strand): 5'-AAATGATTAACAGAAGCTGAACTAGTGCTACCGATGCTCTGCTTATATTCTTCACATGCA[A>G]ATTTTGAGTGATCTGTCAAATTTCTACTATCACATATAACTGGTTTTGATTCCAAATGCA-3'
Protein context (NP_054878.5, residues 837-857): DSRNLTDHSK[Phe847Ser]ACEEYKQSIG

ClinVar aggregate classification (germline): Benign/Likely benign. Review status: criteria provided, multiple submitters, no conflicts (2 of 4 stars). 3 submissions from 3 submitters: Benign (1); Likely benign (2). Last evaluated 2026-03-01.

Conditions:
Luscan-Lumish syndrome. Identifiers: Orphanet 597738, MedGen C4085873, MONDO:0014791, OMIM 616831.

Allele frequency attached by ClinVar (database versions not stated): ExAC 0.00002; gnomAD exomes 0.00002; TOPMed 0.00002; gnomAD 0.00004.
gnomAD v4.1: 23 of 1,613,844 alleles (0.0014%); highest among the groups gnomAD compares: Non-Finnish European, 0.0018%; no homozygotes.

Submissions (3):

CeGaT Center for Human Genetics Tuebingen
Classification: Likely benign. Last evaluated: 2026-03-01. Review status: criteria provided, single submitter. Criteria: CeGaT Center For Human Genetics Tuebingen Variant Classification Criteria Version 2. Collection method: clinical testing. Allele origin: germline. Affected: yes. Observed: 1 variant allele.
Comment: SETD2: BP4

Labcorp Genetics (formerly Invitae), Labcorp
Classification: Benign for Luscan-Lumish syndrome. Last evaluated: 2025-12-17. Review status: criteria provided, single submitter. Criteria: Invitae Variant Classification Sherloc (09022015). Collection method: clinical testing. Allele origin: germline.

Laboratory of Genetics, Children's Clinical University Hospital Latvia
Classification: Likely benign. Last evaluated: 2025-02-16. Review status: criteria provided, single submitter. Criteria: ACMG Guidelines, 2015. Collection method: clinical testing. Allele origin: germline. Affected: yes.